The following is an entry in ClinVar:

ClinVar aggregate classification (germline): Benign/Likely benign. Review status: criteria provided, multiple submitters, no conflicts (2 of 4 stars). 5 submissions from 5 submitters: Benign (3); Likely benign (2). Last evaluated 2026-02-01.

Conditions:
Sucrase-isomaltase deficiency (CSID). Also called: Congenital sucrose isomaltose malabsorption; Sucrose isomaltose enzyme deficiency; Deficiency of isomaltase; SI DEFICIENCY. Identifiers: Orphanet 35122, MedGen C1283620, MONDO:0009114, OMIM 222900.

Allele frequency attached by ClinVar (database versions not stated): gnomAD 0.01286 and 0.01365; TOPMed 0.01425; 1000 Genomes Project 0.01538; 1000 Genomes Project 30x 0.01546; ESP Exome Variant Server 0.01561.
gnomAD v4.1: 3,781 of 1,610,858 alleles (0.23%); highest among the groups gnomAD compares: African/African-American, 4.4%; 70 homozygotes.

Submissions (5):

Labcorp Genetics (formerly Invitae), Labcorp
Classification: Benign. Last evaluated: 2026-02-01. Review status: criteria provided, single submitter. Criteria: Invitae Variant Classification Sherloc (09022015). Collection method: clinical testing. Allele origin: germline.

Mayo Clinic Laboratories, Mayo Clinic
Classification: Benign. Last evaluated: 2025-08-04. Review status: criteria provided, single submitter. Criteria: ACMG Guidelines, 2015. Collection method: clinical testing. Allele origin: germline. Observed: 1 variant allele.
Comment: BA1, BS2

Illumina Laboratory Services, Illumina
Classification: Benign for Sucrase-isomaltase deficiency. Last evaluated: 2017-10-12. Review status: criteria provided, single submitter. Criteria: ICSL Variant Classification Criteria 13 December 2019. Collection method: clinical testing. Allele origin: germline.
Comment: This variant was observed as part of a predisposition screen in an ostensibly healthy population. A literature search was performed for the gene, cDNA change, and amino acid change (where applicable). No publications were found based on this search. Allele frequency data from public databases was too high to be consistent with this variant causing disease. Therefore, this variant is classified as benign.

Center for Pediatric Genomic Medicine, Children's Mercy Hospital and Clinics
Classification: Likely benign. Last evaluated: 2017-04-27. Review status: criteria provided, single submitter. Criteria: ACMG Guidelines, 2015. Collection method: clinical testing. Allele origin: germline.

Breakthrough Genomics
Classification: Likely benign. Review status: criteria provided, single submitter. Criteria: ACMG Guidelines, 2015. Collection method: not provided. Allele origin: germline. Inheritance: Autosomal recessive inheritance. Affected: yes.

NM_001041.4(SI):c.517C>G (p.Pro173Ala)

Gene: SI (sucrase-isomaltase; minus strand). Cytogenetic location: 3q26.1.
Variant type: single nucleotide variant.
Coding change: c.517C>G on transcript NM_001041.4 (MANE Select); coding-DNA position 517, C replaced by G.
Protein change: p.Pro173Ala; replaces proline 173 with alanine.
Molecular consequence: missense variant.
Genome position (GRCh38, 1-based): chr3:165,067,458, G>C on the plus strand (C>G on the coding strand, the complement: SI is on the minus strand). VCF-style: chr3-165067458-G-C. GRCh37 (hg19) VCF-style: chr3-164785246-G-C.
Other names: p.Pro173Ala; short protein forms P173A.
Identifiers: ClinVar variation 445929 (VCV000445929.18), dbSNP rs146960446, ClinGen allele CA2691453.
Genomic context (GRCh38, chr3:165,067,458, plus strand): 5'-TCACATCATACAACGTATCAGAAACTGTGGGTCCAGTAAACTCTTTTACATACTGATGAG[G>C]AACTTCATATCTTCTATTATTTGGATCAGTAATCTGGAAAGATTTAAGCAAGGTAGCATT-3'
Protein context (NP_001032.2, residues 163-183): TDPNNRRYEV[Pro173Ala]HQYVKEFTGP